The following is an entry in ClinVar:

NM_001848.3(COL6A1):c.1003G>T (p.Gly335Trp)

Gene: COL6A1 (collagen type VI alpha 1 chain; plus strand). Cytogenetic location: 21q22.3.
Variant type: single nucleotide variant.
Coding change: c.1003G>T on transcript NM_001848.3 (MANE Select); coding-DNA position 1003, G replaced by T.
Protein change: p.Gly335Trp; replaces glycine 335 with tryptophan.
Molecular consequence: missense variant.
Genome position (GRCh38, 1-based): chr21:45,990,773, G>T. VCF-style: chr21-45990773-G-T. GRCh37 (hg19) VCF-style: chr21-47410687-G-T.
Other names: short protein forms G335W.
Identifiers: ClinVar variation 3653547 (VCV003653547.2).

ClinVar aggregate classification (germline): Uncertain significance (1 of 4 stars; one submission).

Conditions:
Bethlem myopathy 1A. Also called: Bethlem myopathy 1; MYOPATHY, BENIGN CONGENITAL, WITH CONTRACTURES; Bethlem Muscular Dystrophy. Identifiers: Orphanet 610, MedGen CN029274, MONDO:0024530, OMIM 158810.

Submission:

Labcorp Genetics (formerly Invitae), Labcorp
Classification: Uncertain significance for Bethlem myopathy 1A. Last evaluated: 2025-11-03. Review status: criteria provided, single submitter. Criteria: Invitae Variant Classification Sherloc (09022015). Collection method: clinical testing. Allele origin: germline.
Comment: This sequence change replaces glycine, which is neutral and non-polar, with tryptophan, which is neutral and slightly polar, at codon 335 of the COL6A1 protein (p.Gly335Trp). This variant is not present in population databases (gnomAD no frequency). This variant has not been reported in the literature in individuals affected with COL6A1-related conditions. ClinVar contains an entry for this variant (Variation ID: 3653547). Experimental studies and prediction algorithms are not available or were not evaluated, and the functional significance of this variant is currently unknown. Algorithms developed to predict the effect of sequence changes on RNA splicing suggest that this variant may disrupt the consensus splice site. It is expected to disrupt RNA splicing. Variants that disrupt the donor or acceptor splice site typically lead to a loss of protein function (PMID: 16199547), and loss-of-function variants in COL6A1 are known to be disease-causing for autosomal recessive COL6A1-related conditions (PMID: 21280092, 20976770). However, certain variants affecting donor or acceptor splice sites in the triple helical domain of COL6A1 are expected to result in in-frame exon skipping and have been reported to cause autosomal dominant COL6A1-related conditions (PMID: 18366090). In summary, the available evidence is currently insufficient to determine the role of this variant in disease. Therefore, it has been classified as a Variant of Uncertain Significance.

Literature cited by the submitters: PubMed 16199547; PubMed 21280092; PubMed 20976770; PubMed 18366090.